The following is an entry in ClinVar:

ClinVar aggregate classification (germline): Uncertain significance. Review status: criteria provided, multiple submitters, no conflicts (2 of 4 stars). 2 submissions from 2 submitters: Uncertain significance (2). Last evaluated 2024-12-16.

Conditions:
Inborn genetic diseases. Identifiers: MedGen C0950123, MeSH D030342.

Allele frequency attached by ClinVar (database versions not stated): ExAC 0.00002; gnomAD 0.00004; gnomAD exomes 0.00004.
gnomAD v4.1: 33 of 1,613,950 alleles (0.002%); highest among the groups gnomAD compares: East Asian, 0.025%; no homozygotes.

Submissions (2):

Labcorp Genetics (formerly Invitae), Labcorp
Classification: Uncertain significance. Last evaluated: 2024-12-16. Review status: criteria provided, single submitter. Criteria: Invitae Variant Classification Sherloc (09022015). Collection method: clinical testing. Allele origin: germline.
Comment: This sequence change replaces arginine, which is basic and polar, with histidine, which is basic and polar, at codon 296 of the C8B protein (p.Arg296His). This variant is present in population databases (rs781743688, gnomAD 0.04%). This variant has not been reported in the literature in individuals affected with C8B-related conditions. ClinVar contains an entry for this variant (Variation ID: 1449184). An algorithm developed to predict the effect of missense changes on protein structure and function (PolyPhen-2) suggests that this variant¬†is likely to be tolerated. In summary, the available evidence is currently insufficient to determine the role of this variant in disease. Therefore, it has been classified as a Variant of Uncertain Significance.

Ambry Genetics
Classification: Uncertain significance for Inborn genetic diseases. Last evaluated: 2024-01-29. Review status: criteria provided, single submitter. Criteria: Ambry Variant Classification Scheme 2023. Collection method: clinical testing. Allele origin: germline.

NM_000066.4(C8B):c.887G>A (p.Arg296His)

Gene: C8B (complement C8 beta chain; minus strand). Cytogenetic location: 1p32.2.
Variant type: single nucleotide variant.
Coding change: c.887G>A on transcript NM_000066.4 (MANE Select); coding-DNA position 887, G replaced by A.
Protein change: p.Arg296His; replaces arginine 296 with histidine.
Molecular consequence: missense variant.
Genome position (GRCh38, 1-based): chr1:56,946,039, C>T on the plus strand (G>A on the coding strand, the complement: C8B is on the minus strand). VCF-style: chr1-56946039-C-T. GRCh37 (hg19) VCF-style: chr1-57411712-C-T.
Other names: c.731G>A, p.Arg244His (NM_001278543.2); c.701G>A, p.Arg234His (NM_001278544.2); c.887G>A (NM_000066.2); short protein forms R234H, R244H, R296H.
Identifiers: ClinVar variation 1449184 (VCV001449184.7), dbSNP rs781743688, ClinGen allele CA875816.
Genomic context (GRCh38, chr1:56,946,039, plus strand): 5'-TCGTAATGGAGCATGAGGCTTCTGGGTTTCAGCTTGTAATGTGCTACTTCAAGGTCAGAG[C>T]GTGCATGCAGAAATACGCTTTTCTAAATGAAATACCAACATGGGAAAACCAGACCTTTAA-3'
Protein context (NP_000057.3, residues 286-306): SHTKSVFLHA[Arg296His]SDLEVAHYKL